The following is an entry in ClinVar:

ClinVar aggregate classification (germline): Uncertain significance (1 of 4 stars; one submission).

gnomAD v4.1: 6 of 1,613,992 alleles (0.00037%); highest among the groups gnomAD compares: South Asian, 0.0022%; no homozygotes.

Submission:

Labcorp Genetics (formerly Invitae), Labcorp
Classification: Uncertain significance. Last evaluated: 2025-06-22. Review status: criteria provided, single submitter. Criteria: Invitae Variant Classification Sherloc (09022015). Collection method: clinical testing. Allele origin: germline.
Comment: This sequence change replaces proline, which is neutral and non-polar, with serine, which is neutral and polar, at codon 236 of the SLC17A8 protein (p.Pro236Ser). This variant is not present in population databases (gnomAD no frequency). This variant has not been reported in the literature in individuals affected with SLC17A8-related conditions. Invitae Evidence Modeling of protein sequence and biophysical properties (such as structural, functional, and spatial information, amino acid conservation, physicochemical variation, residue mobility, and thermodynamic stability) indicates that this missense variant is not expected to disrupt SLC17A8 protein function with a negative predictive value of 80%. In summary, the available evidence is currently insufficient to determine the role of this variant in disease. Therefore, it has been classified as a Variant of Uncertain Significance.

NM_139319.3(SLC17A8):c.706C>T (p.Pro236Ser)

Gene: SLC17A8 (solute carrier family 17 member 8; plus strand). Cytogenetic location: 12q23.1.
Variant type: single nucleotide variant.
Coding change: c.706C>T on transcript NM_139319.3 (MANE Select); coding-DNA position 706, C replaced by T.
Protein change: p.Pro236Ser; replaces proline 236 with serine.
Molecular consequence: missense variant.
Genome position (GRCh38, 1-based): chr12:100,401,806, C>T. VCF-style: chr12-100401806-C-T. GRCh37 (hg19) VCF-style: chr12-100795584-C-T.
Other names: c.706C>T, p.Pro236Ser (NM_001145288.2); short protein forms P236S.
Identifiers: ClinVar variation 4766701 (VCV004766701.1).